The following is an entry in ClinVar:

ClinVar aggregate classification (germline): Likely pathogenic (1 of 4 stars; one submission).

Conditions:
Freeman-Sheldon syndrome (DA2A). Also called: WHISTLING FACE-WINDMILL VANE HAND SYNDROME; CRANIOCARPOTARSAL DYSPLASIA; CRANIOCARPOTARSAL DYSTROPHY; Arthrogryposis, distal, type 2A (Freeman-Sheldon). Identifiers: Orphanet 2053, MedGen C0265224, MONDO:0008675, OMIM 193700.

Submission:

Clinical Biomedical Laboratory, Shriners Hospital For Children - Canada
Classification: Likely pathogenic for Freeman-Sheldon syndrome. Review status: criteria provided, single submitter. Criteria: ACMG Guidelines, 2015. Collection method: clinical testing. Allele origin: germline. Affected: yes.
Comment: This variant is predicted to substitute a glutamine residue by a valine residue in MYH3. This variant is absent in the Genome Aggregation Database (gnomAD v2.1.1), indicating it is very rare. Computational tools (REVEL: 0.87) suggest that the amino acid change is deleterious to protein function. MYH3 is associated with distal arthrogryposis type 2A, also named Freeman-Sheldon syndrome, which corresponds to the reported phenotype of the proband. Based on the ACMG variant interpretation guidelines (criteria: PM2, PM5, PP2, PP3), the available evidence supports classification of this variant as likely pathogenic.

NM_002470.4(MYH3):c.1400A>T (p.Glu467Val)

Gene: MYH3 (myosin heavy chain 3; minus strand). Cytogenetic location: 17p13.1.
Variant type: single nucleotide variant.
Coding change: c.1400A>T on transcript NM_002470.4 (MANE Select); coding-DNA position 1400, A replaced by T.
Protein change: p.Glu467Val; replaces glutamic acid 467 with valine.
Molecular consequence: missense variant.
Genome position (GRCh38, 1-based): chr17:10,644,361, T>A on the plus strand (A>T on the coding strand, the complement: MYH3 is on the minus strand). VCF-style: chr17-10644361-T-A. GRCh37 (hg19) VCF-style: chr17-10547678-T-A.
Other names: short protein forms E467V.
Identifiers: ClinVar variation 4819362 (VCV004819362.1).
Genomic context (GRCh38, chr17:10,644,361, plus strand): 5'-ATTTCCCTCATATGAAGCCATATGAAAATATGAATATAAGTAACACAAACCTCAAAGATT[T>A]CAAAGCCTGCAATGTCCAAAACACCAATGAAGTGTTGTCTTGGAAGCTTCGTATCCAGTT-3'
Protein context (NP_002461.2, residues 457-477): FIGVLDIAGF[Glu467Val]IFEYNSLEQL